The following is an entry in ClinVar:

ClinVar aggregate classification (germline): Pathogenic (1 of 4 stars; one submission).

Allele frequency attached by ClinVar (database versions not stated): gnomAD exomes below 0.00001.

Submission:

Labcorp Genetics (formerly Invitae), Labcorp
Classification: Pathogenic. Last evaluated: 2023-08-18. Review status: criteria provided, single submitter. Criteria: Invitae Variant Classification Sherloc (09022015). Collection method: clinical testing. Allele origin: germline.
Comment: This sequence change creates a premature translational stop signal (p.Gln134*) in the SYNE4 gene. It is expected to result in an absent or disrupted protein product. Loss-of-function variants in SYNE4 are known to be pathogenic (PMID: 23348741, 28958982). This variant is not present in population databases (gnomAD no frequency). For these reasons, this variant has been classified as Pathogenic. This variant has not been reported in the literature in individuals affected with SYNE4-related conditions.

Literature cited by the submitters: PubMed 23348741; PubMed 28958982.

NM_001039876.3(SYNE4):c.400C>T (p.Gln134Ter)

Gene: SYNE4 (spectrin repeat containing nuclear envelope family member 4; minus strand). Cytogenetic location: 19q13.12.
Variant type: single nucleotide variant.
Coding change: c.400C>T on transcript NM_001039876.3 (MANE Select); coding-DNA position 400, C replaced by T.
Protein change: p.Gln134Ter; replaces glutamine 134 with a stop codon.
Molecular consequence: nonsense. On other transcripts: intron variant (1).
Genome position (GRCh38, 1-based): chr19:36,007,148, G>A on the plus strand (C>T on the coding strand, the complement: SYNE4 is on the minus strand). VCF-style: chr19-36007148-G-A. GRCh37 (hg19) VCF-style: chr19-36498050-G-A.
Other names: c.280-477C>T (NM_001297735.3); short protein forms Q134*.
Identifiers: ClinVar variation 2753737 (VCV002753737.3), dbSNP rs2514041357, ClinGen allele CA405433979.